The following is an entry in ClinVar:

ClinVar aggregate classification (germline): Likely benign (1 of 4 stars; one submission).

Conditions:
FGA-related disorder. Also called: FGA-related condition; FGA-related disorders.

gnomAD v4.1: 3 of 1,614,038 alleles (0.00019%); highest among the groups gnomAD compares: Non-Finnish European, 0.00025%; no homozygotes.

Submission:

PreventionGenetics, part of Exact Sciences
Classification: Likely benign for FGA-related condition. Last evaluated: 2025-03-29. Review status: criteria provided, single submitter. Criteria: ACMG Guidelines, 2015. Collection method: clinical testing. Allele origin: germline.
Comment: This variant is classified as likely benign based on ACMG/AMP sequence variant interpretation guidelines (Richards et al. 2015 PMID: 25741868, with internal and published modifications).

NM_000508.5(FGA):c.2059C>A (p.Arg687=)

Gene: FGA (fibrinogen alpha chain; minus strand). Cytogenetic location: 4q31.3.
Variant type: single nucleotide variant.
Coding change: c.2059C>A on transcript NM_000508.5; coding-DNA position 2059, C replaced by A.
Protein change: p.Arg687=; no amino-acid change (arginine 687 retained).
Molecular consequence: synonymous variant.
Genome position (GRCh38, 1-based): chr4:154,584,666, G>T on the plus strand (C>A on the coding strand, the complement: FGA is on the minus strand). VCF-style: chr4-154584666-G-T. GRCh37 (hg19) VCF-style: chr4-155505818-G-T.
Identifiers: ClinVar variation 4978052 (VCV004978052.1).